The following is an entry in ClinVar:

NM_001195263.2(PDZD7):c.2853dup (p.Pro952fs)

Gene: PDZD7 (PDZ domain containing 7; minus strand). Cytogenetic location: 10q24.31.
Variant type: Duplication.
Coding change: c.2853dup on transcript NM_001195263.2 (MANE Select); coding-DNA position 2853, one base duplicated (G; older notation c.2853dupG).
Protein change: p.Pro952fs; shifts the reading frame from proline 952.
Molecular consequence: frameshift variant.
Genome position (GRCh38, 1-based): chr10:101,008,716, C duplicated on the plus strand (G on the coding strand, the reverse complement: PDZD7 is on the minus strand); the first of 3 consecutive C bases (chr10:101,008,716-101,008,718); duplicating any one gives the same sequence. VCF-style (leftmost placement, unchanged base first): chr10-101008715-G-GC. GRCh37 (hg19) VCF-style: chr10-102768472-G-GC.
Other names: short protein forms P952fs.
Identifiers: ClinVar variation 1369762 (VCV001369762.8), dbSNP rs2133992594, ClinGen allele CA2573145459.

ClinVar aggregate classification (germline): Uncertain significance (1 of 4 stars; one submission).

Submission:

Labcorp Genetics (formerly Invitae), Labcorp
Classification: Uncertain significance. Last evaluated: 2024-10-25. Review status: criteria provided, single submitter. Criteria: Invitae Variant Classification Sherloc (09022015). Collection method: clinical testing. Allele origin: germline.
Comment: This sequence change creates a premature translational stop signal (p.Pro952Alafs*9) in the PDZD7 gene. While this is not anticipated to result in nonsense mediated decay, it is expected to disrupt the last 82 amino acid(s) of the PDZD7 protein. This variant is not present in population databases (gnomAD no frequency). This variant has not been reported in the literature in individuals affected with PDZD7-related conditions. ClinVar contains an entry for this variant (Variation ID: 1369762). Experimental studies and prediction algorithms are not available or were not evaluated, and the functional significance of this variant is currently unknown. In summary, the available evidence is currently insufficient to determine the role of this variant in disease. Therefore, it has been classified as a Variant of Uncertain Significance.